The following is an entry in ClinVar:

NM_001099403.2(PRDM8):c.1042C>A (p.Leu348Met)

Gene: PRDM8 (PR/SET domain 8; plus strand). Cytogenetic location: 4q21.21.
Variant type: single nucleotide variant.
Coding change: c.1042C>A on transcript NM_001099403.2 (MANE Select); coding-DNA position 1042, C replaced by A.
Protein change: p.Leu348Met; replaces leucine 348 with methionine.
Molecular consequence: missense variant.
Genome position (GRCh38, 1-based): chr4:80,202,504, C>A. VCF-style: chr4-80202504-C-A. GRCh37 (hg19) VCF-style: chr4-81123658-C-A.
Other names: c.1042C>A, p.Leu348Met (NM_020226.4); short protein forms L348M.
Identifiers: ClinVar variation 2104693 (VCV002104693.4), dbSNP rs2475914479, ClinGen allele CA357397892.

ClinVar aggregate classification (germline): Uncertain significance (1 of 4 stars; one submission).

Conditions:
Early-onset Lafora body disease. Also called: Epilepsy, progressive myoclonic, 10. Identifiers: Orphanet 324290, MedGen C4225258, MONDO:0014717, OMIM 616640.

Submission:

Labcorp Genetics (formerly Invitae), Labcorp
Classification: Uncertain significance for Early-onset Lafora body disease. Last evaluated: 2022-02-28. Review status: criteria provided, single submitter. Criteria: Invitae Variant Classification Sherloc (09022015). Collection method: clinical testing. Allele origin: germline.
Comment: In summary, the available evidence is currently insufficient to determine the role of this variant in disease. Therefore, it has been classified as a Variant of Uncertain Significance. Algorithms developed to predict the effect of missense changes on protein structure and function are either unavailable or do not agree on the potential impact of this missense change (SIFT: "Deleterious"; PolyPhen-2: "Probably Damaging"; Align-GVGD: "Class C0"). This variant has not been reported in the literature in individuals affected with PRDM8-related conditions. This variant is not present in population databases (gnomAD no frequency). This sequence change replaces leucine, which is neutral and non-polar, with methionine, which is neutral and non-polar, at codon 348 of the PRDM8 protein (p.Leu348Met).